The following is an entry in ClinVar:

ClinVar aggregate classification (germline): Uncertain significance (1 of 4 stars; one submission).

Submission:

Labcorp Genetics (formerly Invitae), Labcorp
Classification: Uncertain significance. Last evaluated: 2024-02-20. Review status: criteria provided, single submitter. Criteria: Invitae Variant Classification Sherloc (09022015). Collection method: clinical testing. Allele origin: germline.
Comment: This sequence change replaces threonine, which is neutral and polar, with alanine, which is neutral and non-polar, at codon 190 of the LIPG protein (p.Thr190Ala). This variant is not present in population databases (gnomAD no frequency). This variant has not been reported in the literature in individuals affected with LIPG-related conditions. An algorithm developed to predict the effect of missense changes on protein structure and function (PolyPhen-2) suggests that this variant is likely to be disruptive. In summary, the available evidence is currently insufficient to determine the role of this variant in disease. Therefore, it has been classified as a Variant of Uncertain Significance.

NM_006033.4(LIPG):c.568A>G (p.Thr190Ala)

Gene: LIPG (lipase G, endothelial type; plus strand). Cytogenetic location: 18q21.1.
Variant type: single nucleotide variant.
Coding change: c.568A>G on transcript NM_006033.4 (MANE Select); coding-DNA position 568, A replaced by G.
Protein change: p.Thr190Ala; replaces threonine 190 with alanine.
Molecular consequence: missense variant.
Genome position (GRCh38, 1-based): chr18:49,569,545, A>G. VCF-style: chr18-49569545-A-G. GRCh37 (hg19) VCF-style: chr18-47095915-A-G.
Other names: c.568A>G, p.Thr190Ala (NM_001308006.2); short protein forms T190A.
Identifiers: ClinVar variation 3688674 (VCV003688674.2).